The following is an entry in ClinVar:

ClinVar aggregate classification (germline): Conflicting classifications of pathogenicity. Review status: criteria provided, conflicting classifications (1 of 4 stars). 6 submissions from 6 submitters: Uncertain significance (4); Likely benign (2). Last evaluated 2025-10-06.

Conditions:
Hereditary cancer-predisposing syndrome. Also called: Hereditary neoplastic syndrome; Neoplastic Syndromes, Hereditary; Tumor predisposition; Hereditary Cancer Syndrome. Identifiers: Orphanet 140162, MedGen C0027672, MeSH D009386, MONDO:0015356.
Tuberous sclerosis syndrome (TSC). Also called: Tuberous Sclerosis Complex; Tuberous sclerosis. Identifiers: Orphanet 805, MedGen C0041341, MONDO:0001734.
Tuberous sclerosis 2 (TSC2). Identifiers: Orphanet 805, MedGen C1860707, MONDO:0013199, OMIM 613254.

Allele frequency attached by ClinVar (database versions not stated): TOPMed below 0.00001; ExAC 0.00002.
gnomAD v4.1: 9 of 1,611,754 alleles (0.00056%); highest among the groups gnomAD compares: Admixed American, 0.0033%; no homozygotes.

Submissions (6):

Labcorp Genetics (formerly Invitae), Labcorp
Classification: Likely benign for Tuberous sclerosis 2. Last evaluated: 2025-10-06. Review status: criteria provided, single submitter. Criteria: Invitae Variant Classification Sherloc (09022015). Collection method: clinical testing. Allele origin: germline.

Ambry Genetics
Classification: Uncertain significance for Hereditary cancer-predisposing syndrome. Last evaluated: 2024-11-19. Review status: criteria provided, single submitter. Criteria: Ambry Variant Classification Scheme 2023. Collection method: clinical testing. Allele origin: germline.
Comment: The p.A224T variant (also known as c.670G>A), located in coding exon 7 of the TSC2 gene, results from a G to A substitution at nucleotide position 670. The alanine at codon 224 is replaced by threonine, an amino acid with similar properties. This variant has been detected in multiple individuals with no reported features of Tuberous sclerosis complex (Ambry internal data). This amino acid position is highly conserved in available vertebrate species. In addition, this alteration is predicted to be deleterious by in silico analysis. Based on the available evidence, the clinical significance of this variant remains unclear.

All of Us Research Program, National Institutes of Health
Classification: Uncertain significance for Tuberous sclerosis syndrome. Last evaluated: 2023-08-15. Review status: criteria provided, single submitter. Criteria: ACMG Guidelines, 2015. Collection method: clinical testing. Allele origin: germline. Inheritance: Autosomal dominant inheritance. Observed: 2 variant alleles, 2 heterozygotes.
Comment: This missense variant replaces alanine with threonine at codon 224 of the TSC2 protein. Computational prediction is inconclusive regarding the impact of this variant on protein structure and function (internally defined REVEL score threshold 0.5 < inconclusive < 0.7, PMID: 27666373). To our knowledge, functional studies have not been reported for this variant. This variant has not been reported in individuals affected with tuberous sclerosis complex in the literature. This variant has been identified in 2/249660 chromosomes in the general population by the Genome Aggregation Database (gnomAD). The available evidence is insufficient to determine the role of this variant in disease conclusively. Therefore, this variant is classified as a Variant of Uncertain Significance.

This study involves interpretation of variants in research participants for the purpose of population health screening. Participant phenotype was not available at the time of variant classification. Additional details can be found in publication PMID: 35346344, PMCID: PMC8962531

Genome-Nilou Lab
Classification: Likely benign for Tuberous sclerosis 2. Last evaluated: 2021-11-07. Review status: criteria provided, single submitter. Criteria: ACMG Guidelines, 2015. Collection method: clinical testing. Allele origin: germline. Affected: no.

Institute for Clinical Genetics, University Hospital TU Dresden, University Hospital TU Dresden
Classification: Uncertain significance. Last evaluated: 2021-11-03. Review status: criteria provided, single submitter. Criteria: ACMG Guidelines, 2015. Collection method: clinical testing. Allele origin: germline.

Sema4
Classification: Uncertain significance for Hereditary cancer-predisposing syndrome. Last evaluated: 2021-09-18. Review status: criteria provided, single submitter. Criteria: Sema4 Curation Guidelines. Collection method: curation. Allele origin: germline.
Comment: The TSC2 c.670G>A (p.A224T) variant has not been reported in the literature to our knowledge. This variant was observed in 2/34576 chromosomes in the Latino population according to the Genome Aggregation Database (PMID: 32461654). The variant has been reported in ClinVar (Variation ID 468173). Functional studies have not been performed, and in silico predictions of the variant's effect on protein function are inconclusive. The evidence is insufficient to meet ACMG/AMP criteria for classifying the variant as benign or pathogenic. Thus, the clinical significance of this variant is currently uncertain.

NM_000548.5(TSC2):c.670G>A (p.Ala224Thr)

Gene: TSC2 (TSC complex subunit 2; plus strand). Cytogenetic location: 16p13.3.
Variant type: single nucleotide variant.
Coding change: c.670G>A on transcript NM_000548.5 (MANE Select); coding-DNA position 670, G replaced by A.
Protein change: p.Ala224Thr; replaces alanine 224 with threonine.
Molecular consequence: missense variant.
Genome position (GRCh38, 1-based): chr16:2,056,665, G>A. VCF-style: chr16-2056665-G-A. GRCh37 (hg19) VCF-style: chr16-2106666-G-A.
Other names: c.670G>A, p.Ala224Thr (NM_001077183.3, NM_001114382.3, NM_001363528.2 and 3 more transcripts); c.559G>A, p.Ala187Thr (NM_001318827.2); c.523G>A, p.Ala175Thr (NM_001318829.2); c.70G>A, p.Ala24Thr (NM_001318831.2); c.703G>A, p.Ala235Thr (NM_001318832.2); short protein forms A224T, A187T, A235T, A175T, A24T.
Identifiers: ClinVar variation 468173 (VCV000468173.21), dbSNP rs772558666, ClinGen allele CA056104.